The following is an entry in ClinVar:

NM_004928.3(CFAP410):c.429G>A (p.Ala143=)

Gene: CFAP410 (cilia and flagella associated protein 410; minus strand). Cytogenetic location: 21q22.3.
Variant type: single nucleotide variant.
Coding change: c.429G>A on transcript NM_004928.3 (MANE Select); coding-DNA position 429, G replaced by A.
Protein change: p.Ala143=; no amino-acid change (alanine 143 retained).
Molecular consequence: synonymous variant.
Genome position (GRCh38, 1-based): chr21:44,331,959, C>T on the plus strand (G>A on the coding strand, the complement: CFAP410 is on the minus strand). VCF-style: chr21-44331959-C-T. GRCh37 (hg19) VCF-style: chr21-45751842-C-T.
Other names: c.429G>A, p.Ala143= (NM_001271440.2, NM_001271441.2); c.306G>A, p.Ala102= (NM_001271442.1); c.429G>A (NM_004928.2).
Identifiers: ClinVar variation 1626030 (VCV001626030.12), dbSNP rs369370304, ClinGen allele CA10053676.
Genomic context (GRCh38, chr21:44,331,959, plus strand): 5'-GGAGCTCAGTGTGCAGCATAGCTTGGGGCCGCCGTGGCCTGTGCCCTCTCTCTCTGGGGC[C>T]GCAGTGATCTCCTCTCCCTCACTCAGTGCACGGGACAGCTCCTCCTCCGTCACAGCTTTG-3'
Protein context (NP_004919.1, residues 133-153): RALSEGEEIT[Ala143=]APEREGTGHG

ClinVar aggregate classification (germline): Likely benign. Review status: criteria provided, multiple submitters, no conflicts (2 of 4 stars). 4 submissions from 4 submitters: Likely benign (3). 1 of the submissions does not count toward it. Last evaluated 2024-10-02.

Conditions:
CFAP410-related disorder. Also called: CFAP410-related condition.

Allele frequency attached by ClinVar (database versions not stated): ESP Exome Variant Server 0.00008; 1000 Genomes Project 30x 0.00016; 1000 Genomes Project 0.00020.
gnomAD v4.1: 68 of 1,613,508 alleles (0.0042%); highest among the groups gnomAD compares: Middle Eastern, 0.05%; no homozygotes.

Submissions (4):

Labcorp Genetics (formerly Invitae), Labcorp
Classification: Likely benign. Last evaluated: 2024-10-02. Review status: criteria provided, single submitter. Criteria: Invitae Variant Classification Sherloc (09022015). Collection method: clinical testing. Allele origin: germline.

Blueprint Genetics
Classification: Likely benign. Last evaluated: 2024-03-22. Review status: criteria provided, single submitter. Criteria: ACMG Guidelines, 2015. Collection method: clinical testing. Allele origin: germline.

Breakthrough Genomics
Classification: Likely benign. Review status: criteria provided, single submitter. Criteria: ACMG Guidelines, 2015. Collection method: not provided. Allele origin: germline. Inheritance: Autosomal recessive inheritance. Affected: yes.

PreventionGenetics, part of Exact Sciences
Classification: Likely benign for CFAP410-related condition. Last evaluated: 2023-05-11. Review status: no assertion criteria provided. Collection method: clinical testing. Allele origin: germline. Not counted in ClinVar's aggregate classification.
Comment: This variant is classified as likely benign based on ACMG/AMP sequence variant interpretation guidelines (Richards et al. 2015 PMID: 25741868, with internal and published modifications).